The following is an entry in ClinVar:

NM_144997.7(FLCN):c.1582C>T (p.Pro528Ser)

Gene: FLCN (folliculin; minus strand). Cytogenetic location: 17p11.2.
Variant type: single nucleotide variant.
Coding change: c.1582C>T on transcript NM_144997.7 (MANE Select); coding-DNA position 1582, C replaced by T.
Protein change: p.Pro528Ser; replaces proline 528 with serine.
Molecular consequence: missense variant.
Genome position (GRCh38, 1-based): chr17:17,213,813, G>A on the plus strand (C>T on the coding strand, the complement: FLCN is on the minus strand). VCF-style: chr17-17213813-G-A. GRCh37 (hg19) VCF-style: chr17-17117127-G-A.
Other names: c.1636C>T, p.Pro546Ser (NM_001353229.2); c.1582C>T, p.Pro528Ser (NM_001353230.2, NM_001353231.2); short protein forms P546S, P528S.
Identifiers: ClinVar variation 2091921 (VCV002091921.6), dbSNP rs2144811761, ClinGen allele CA398530441.

ClinVar aggregate classification (germline): Uncertain significance. Review status: criteria provided, multiple submitters, no conflicts (2 of 4 stars). 2 submissions from 2 submitters: Uncertain significance (2). Last evaluated 2023-05-27.

Conditions:
Birt-Hogg-Dube syndrome. Also called: Birt Hogg Dubé syndrome. Identifiers: Orphanet 122, MedGen C0346010, MONDO:0800444.
Hereditary cancer-predisposing syndrome. Also called: Tumor predisposition; Neoplastic Syndromes, Hereditary; Hereditary neoplastic syndrome; Hereditary Cancer Syndrome. Identifiers: Orphanet 140162, MedGen C0027672, MeSH D009386, MONDO:0015356.

Allele frequency attached by ClinVar (database versions not stated): gnomAD exomes 0.00001.
gnomAD v4.1: 15 of 1,614,206 alleles (0.00093%); highest among the groups gnomAD compares: Non-Finnish European, 0.0013%; no homozygotes.

Submissions (2):

Ambry Genetics
Classification: Uncertain significance for Hereditary cancer-predisposing syndrome. Last evaluated: 2023-05-27. Review status: criteria provided, single submitter. Criteria: Ambry Variant Classification Scheme 2023. Collection method: clinical testing. Allele origin: germline.
Comment: The p.P528S variant (also known as c.1582C>T), located in coding exon 11 of the FLCN gene, results from a C to T substitution at nucleotide position 1582. The proline at codon 528 is replaced by serine, an amino acid with similar properties. This amino acid position is conserved. In addition, this alteration is predicted to be tolerated by in silico analysis. Since supporting evidence is limited at this time, the clinical significance of this alteration remains unclear.

Labcorp Genetics (formerly Invitae), Labcorp
Classification: Uncertain significance for Birt-Hogg-Dube syndrome. Last evaluated: 2022-02-02. Review status: criteria provided, single submitter. Criteria: Invitae Variant Classification Sherloc (09022015). Collection method: clinical testing. Allele origin: germline.
Comment: In summary, the available evidence is currently insufficient to determine the role of this variant in disease. Therefore, it has been classified as a Variant of Uncertain Significance. This sequence change replaces proline, which is neutral and non-polar, with serine, which is neutral and polar, at codon 528 of the FLCN protein (p.Pro528Ser). This variant is not present in population databases (gnomAD no frequency). This variant has not been reported in the literature in individuals affected with FLCN-related conditions. Algorithms developed to predict the effect of missense changes on protein structure and function (SIFT, PolyPhen-2, Align-GVGD) all suggest that this variant is likely to be tolerated.